The following is an entry in ClinVar:

NM_014634.4(PPM1F):c.1028C>G (p.Ala343Gly)

Gene: PPM1F (protein phosphatase, Mg2+/Mn2+ dependent 1F; minus strand). Cytogenetic location: 22q11.22.
Variant type: single nucleotide variant.
Coding change: c.1028C>G on transcript NM_014634.4 (MANE Select); coding-DNA position 1028, C replaced by G.
Protein change: p.Ala343Gly; replaces alanine 343 with glycine.
Molecular consequence: missense variant.
Genome position (GRCh38, 1-based): chr22:21,923,429, G>C on the plus strand (C>G on the coding strand, the complement: PPM1F is on the minus strand). VCF-style: chr22-21923429-G-C. GRCh37 (hg19) VCF-style: chr22-22277802-G-C.
Other names: c.524C>G, p.Ala175Gly (NM_001410836.1); short protein forms A175G, A343G.
Identifiers: ClinVar variation 1996422 (VCV001996422.4), dbSNP rs2517576462, ClinGen allele CA410828879.
Genomic context (GRCh38, chr22:21,923,429, plus strand): 5'-AAGAAGCCATCACAGGCAAGCAGCAGGTAGTCCTCGGAGCCCGTCAGCGCCCGGGAAGCT[G>C]CATCGGCCTCCCCAGACACGTAGGGCTTCTGGAAGACATCCCCTGGACAGGCGGAGAAGA-3'
Protein context (NP_055449.1, residues 333-353): QKPYVSGEAD[Ala343Gly]ASRALTGSED

ClinVar aggregate classification (germline): Uncertain significance (1 of 4 stars; one submission).

Submission:

Labcorp Genetics (formerly Invitae), Labcorp
Classification: Uncertain significance. Last evaluated: 2022-05-19. Review status: criteria provided, single submitter. Criteria: Invitae Variant Classification Sherloc (09022015). Collection method: clinical testing. Allele origin: germline.
Comment: This sequence change replaces alanine, which is neutral and non-polar, with glycine, which is neutral and non-polar, at codon 343 of the PPM1F protein (p.Ala343Gly). This variant is not present in population databases (gnomAD no frequency). This variant has not been reported in the literature in individuals affected with PPM1F-related conditions. Algorithms developed to predict the effect of missense changes on protein structure and function (SIFT, PolyPhen-2, Align-GVGD) all suggest that this variant is likely to be tolerated. In summary, the available evidence is currently insufficient to determine the role of this variant in disease. Therefore, it has been classified as a Variant of Uncertain Significance.